The following is an entry in ClinVar:

NM_000384.3(APOB):c.11387T>C (p.Val3796Ala)

Gene: APOB (apolipoprotein B; minus strand). Cytogenetic location: 2p24.1.
Variant type: single nucleotide variant.
Coding change: c.11387T>C on transcript NM_000384.3 (MANE Select); coding-DNA position 11387, T replaced by C.
Protein change: p.Val3796Ala; replaces valine 3796 with alanine.
Molecular consequence: missense variant.
Genome position (GRCh38, 1-based): chr2:21,005,481, A>G on the plus strand (T>C on the coding strand, the complement: APOB is on the minus strand). VCF-style: chr2-21005481-A-G. GRCh37 (hg19) VCF-style: chr2-21228353-A-G.
Other names: short protein forms V3796A.
Identifiers: ClinVar variation 4532504 (VCV004532504.1).

ClinVar aggregate classification (germline): Uncertain significance (1 of 4 stars; one submission).

Submission:

GeneDx
Classification: Uncertain significance. Last evaluated: 2025-05-29. Review status: criteria provided, single submitter. Criteria: GeneDx Variant Classification Process June 2021. Collection method: clinical testing. Allele origin: germline. Affected: yes.
Comment: Not observed at significant frequency in large population cohorts (gnomAD); In silico analysis supports that this missense variant has a deleterious effect on protein structure/function; Has not been previously published as pathogenic or benign to our knowledge